The following is an entry in ClinVar:

NM_001077620.3(PRCD):c.74C>T (p.Pro25Leu)

Genes: CYGB (cytoglobin; minus strand), PRCD (photoreceptor disc component; plus strand). Cytogenetic location: 17q25.1.
Variant type: single nucleotide variant.
Coding change: c.74C>T on transcript NM_001077620.3 (MANE Select); coding-DNA position 74, C replaced by T.
Protein change: p.Pro25Leu; replaces proline 25 with leucine.
Molecular consequence: missense variant.
Genome position (GRCh38, 1-based): chr17:76,540,215, C>T. VCF-style: chr17-76540215-C-T. GRCh37 (hg19) VCF-style: chr17-74536297-C-T.
Other names: short protein forms P25L.
Identifiers: ClinVar variation 944910 (VCV000944910.12), dbSNP rs757471313, ClinGen allele CA8787817.

ClinVar aggregate classification (germline): Conflicting classifications of pathogenicity. Review status: criteria provided, conflicting classifications (1 of 4 stars). 4 submissions from 4 submitters: Likely pathogenic (2); Uncertain significance (2). Last evaluated 2026-04-30.

Conditions:
PRCD-related disorders.

Allele frequency attached by ClinVar (database versions not stated): TOPMed 0.00002; ExAC 0.00003.
gnomAD v4.1: 15 of 1,454,554 alleles (0.001%); highest among the groups gnomAD compares: Middle Eastern, 0.038%; no homozygotes.

Submissions (4):

Women's Health and Genetics/Laboratory Corporation of America, LabCorp
Classification: Uncertain significance. Last evaluated: 2026-04-30. Review status: criteria provided, single submitter. Criteria: LabCorp Variant Classification Summary - May 2015. Collection method: clinical testing. Allele origin: germline.
Comment: Variant summary: PRCD c.74C>T (p.Pro25Leu) results in a non-conservative amino acid change in the encoded protein sequence. Algorithms developed to predict the effect of missense changes on protein structure and function are either unavailable or do not agree on the potential impact of this missense change. Several computational tools predict a significant impact on normal splicing: One predict the variant abolishes a 5' splicing donor site. One predict the variant weakens a 5' donor site. However, these predictions have yet to be confirmed by functional studies. The variant allele was found at a frequency of 9e-06 in 222214 control chromosomes. c.74C>T has been observed as homozygous in at least one individual affected with Retinitis Pigmentosa (Chen_2019). These data indicate that the variant may be associated with disease. To our knowledge, no experimental evidence demonstrating an impact on protein function has been reported. The following publications have been ascertained in the context of this evaluation (PMID: 31872526, 32483926). ClinVar contains an entry for this variant (Variation ID: 944910). Based on the evidence outlined above, the variant was classified as VUS-possibly pathogenic.

GeneDx
Classification: Likely pathogenic. Last evaluated: 2023-09-20. Review status: criteria provided, single submitter. Criteria: GeneDx Variant Classification Process June 2021. Collection method: clinical testing. Allele origin: germline. Affected: yes.
Comment: Not observed at significant frequency in large population cohorts (gnomAD); In silico analysis supports that this missense variant has a deleterious effect on protein structure/function; This variant is associated with the following publications: (PMID: 32483926, 31872526)

Labcorp Genetics (formerly Invitae), Labcorp
Classification: Uncertain significance. Last evaluated: 2021-08-26. Review status: criteria provided, single submitter. Criteria: Invitae Variant Classification Sherloc (09022015). Collection method: clinical testing. Allele origin: germline.
Comment: This sequence change replaces proline with leucine at codon 25 of the PRCD protein (p.Pro25Leu). The proline residue is highly conserved and there is a moderate physicochemical difference between proline and leucine. This variant is present in population databases (rs757471313, ExAC 0.005%). This missense change has been observed in individual(s) with retinitis pigmentosa (PMID: 31872526). Algorithms developed to predict the effect of missense changes on protein structure and function (SIFT, PolyPhen-2, Align-GVGD) all suggest that this variant is likely to be disruptive. Algorithms developed to predict the effect of sequence changes on RNA splicing suggest that this variant may disrupt the consensus splice site. In summary, the available evidence is currently insufficient to determine the role of this variant in disease. Therefore, it has been classified as a Variant of Uncertain Significance.

Blueprint Genetics
Classification: Likely pathogenic for PRCD-related disorders. Last evaluated: 2020-11-27. Review status: criteria provided, single submitter. Criteria: ACMG Guidelines, 2015. Collection method: clinical testing. Allele origin: germline. Affected: yes. Observed: 1 variant allele.

Literature cited by the submitters: PubMed 31872526 (cited by Women's Health and Genetics/Laboratory Corporation of America, LabCorp and Labcorp Genetics (formerly Invitae), Labcorp); PubMed 32483926 (cited by Women's Health and Genetics/Laboratory Corporation of America, LabCorp).